The following is an entry in ClinVar:

ClinVar aggregate classification (germline): Conflicting classifications of pathogenicity. Review status: criteria provided, conflicting classifications (1 of 4 stars). 4 submissions from 4 submitters: Likely pathogenic (1); Uncertain significance (2). 1 of the submissions does not count toward it. Last evaluated 2026-04-24.

Conditions:
ABCC6-related disorder. Also called: ABCC6-related condition.
Autosomal recessive inherited pseudoxanthoma elasticum (PXE). Identifiers: Orphanet 758, MedGen CN032334, MONDO:0009925, OMIM 264800.

Allele frequency attached by ClinVar (database versions not stated): gnomAD exomes 0.00001 and 0.00002; TOPMed 0.00001; ExAC 0.00002.

Submissions (4):

PreventionGenetics, part of Exact Sciences
Classification: Likely pathogenic for ABCC6-related condition. Last evaluated: 2026-04-24. Review status: criteria provided, single submitter. Criteria: ACMG Guidelines, 2015. Collection method: clinical testing. Allele origin: germline.
Comment: The ABCC6 c.951C>A variant is predicted to result in the amino acid substitution p.Ser317Arg. This variant has been reported in the known or presumed compound heterozygous state in individuals with pseudoxanthoma elasticum (Miksch et al. 2005. PubMed ID: 16086317; Boraldi et al. 2021. PubMed ID: 34205333; Pisciotta et al. 2010. PubMed ID: 20018285). This variant has also been reported in the heterozygous state in a cohort study of ectopic mineralization disorders (Saeidian et al. 2021. PubMed ID: 34906475). This variant is reported in 0.0035% of alleles in individuals of European (Non-Finnish) descent in gnomAD. This variant is interpreted as likely pathogenic for autosomal recessive disease.

GeneDx
Classification: Uncertain significance. Last evaluated: 2024-11-06. Review status: criteria provided, single submitter. Criteria: GeneDx Variant Classification Process June 2021. Collection method: clinical testing. Allele origin: germline. Affected: yes.
Comment: Observed in a patient with PXE in the literature who was also homozygous for another variant in ABCC6 that may explain the phenotype (PMID: 16086317); In silico analysis indicates that this missense variant does not alter protein structure/function; This variant is associated with the following publications: (PMID: 31589614, 25064003, 38646295, 34906475, 32873932, 20018285, 34205333, 16086317)

Department of Pathology and Laboratory Medicine, Sinai Health System
Classification: Uncertain significance for autosomal recessive inherited pseudoxanthoma elasticum. Last evaluated: 2022-11-21. Review status: criteria provided, single submitter. Criteria: ACMG Guidelines, 2015. Collection method: research. Allele origin: germline.

PXE International
Classification: Pathogenic for Autosomal recessive inherited pseudoxanthoma elasticum. Last evaluated: 2021-03-01. Review status: no assertion criteria provided. Collection method: research. Allele origin: germline. Inheritance: Autosomal recessive inheritance. Affected: yes. Observed: 1 variant allele. Not counted in ClinVar's aggregate classification.

Literature cited by the submitters: PubMed 32873932 (cited by PXE International).

NM_001171.6(ABCC6):c.951C>A (p.Ser317Arg)

Gene: ABCC6 (ATP binding cassette subfamily C member 6; minus strand). Cytogenetic location: 16p13.11.
Variant type: single nucleotide variant.
Coding change: c.951C>A on transcript NM_001171.6 (MANE Select); coding-DNA position 951, C replaced by A.
Protein change: p.Ser317Arg; replaces serine 317 with arginine.
Molecular consequence: missense variant. On other transcripts: non-coding transcript variant (1).
Genome position (GRCh38, 1-based): chr16:16,203,457, G>T on the plus strand (C>A on the coding strand, the complement: ABCC6 is on the minus strand). VCF-style: chr16-16203457-G-T. GRCh37 (hg19) VCF-style: chr16-16297314-G-T.
Other names: c.609C>A, p.Ser203Arg (NM_001351800.1); short protein forms S317R, S203R.
Identifiers: ClinVar variation 433366 (VCV000433366.6), dbSNP rs78678589, ClinGen allele CA7926510.
Genomic context (GRCh38, chr16:16,203,457, plus strand): 5'-GTCTGGGACTCACCTGAGCAGCTTGGGGACAGTGAACCTGAAGACATCACTGATGATGAG[G>T]CTGAGGGTCCCCAGGAGGAAGGTAGAATGGAACACCTGCCAGATGGCCTTCAGCAGTGGG-3'
Protein context (NP_001162.5, residues 307-327): FHSTFLLGTL[Ser317Arg]LIISDVFRFT